The following is an entry in ClinVar:

NM_001303457.2(TTI1):c.1393A>G (p.Thr465Ala)

Gene: TTI1 (TELO2 interacting protein 1; minus strand). Cytogenetic location: 20q11.23.
Variant type: single nucleotide variant.
Coding change: c.1393A>G on transcript NM_001303457.2 (MANE Select); coding-DNA position 1393, A replaced by G.
Protein change: p.Thr465Ala; replaces threonine 465 with alanine.
Molecular consequence: missense variant.
Genome position (GRCh38, 1-based): chr20:38,012,424, T>C on the plus strand (A>G on the coding strand, the complement: TTI1 is on the minus strand). VCF-style: chr20-38012424-T-C. GRCh37 (hg19) VCF-style: chr20-36640826-T-C.
Other names: c.1393A>G, p.Thr465Ala (NM_014657.3); short protein forms T465A.
Identifiers: ClinVar variation 3384770 (VCV003384770.1).

ClinVar aggregate classification (germline): Uncertain significance (1 of 4 stars; one submission).

gnomAD v4.1: 4 of 1,614,140 alleles (0.00025%); highest among the groups gnomAD compares: African/African-American, 0.0027%; no homozygotes.

Submission:

Women's Health and Genetics/Laboratory Corporation of America, LabCorp
Classification: Uncertain significance. Last evaluated: 2024-10-11. Review status: criteria provided, single submitter. Criteria: LabCorp Variant Classification Summary - May 2015. Collection method: clinical testing. Allele origin: germline.
Comment: Variant summary: TTI1 c.1393A>G (p.Thr465Ala) results in a non-conservative amino acid change in the encoded protein sequence. Four of five in-silico tools predict a benign effect of the variant on protein function. The variant was absent in 251334 control chromosomes. The available data on variant occurrences in the general population are insufficient to allow any conclusion about variant significance. To our knowledge, no occurrence of c.1393A>G in individuals affected with Neurodevelopmental Disorder With Microcephaly And Movement Abnormalities and no experimental evidence demonstrating its impact on protein function have been reported. No submitters have cited clinical-significance assessments for this variant to ClinVar. Based on the evidence outlined above, the variant was classified as uncertain significance.